The following is an entry in ClinVar:

ClinVar aggregate classification (germline): Uncertain significance (1 of 4 stars; one submission).

Conditions:
Hereditary cancer-predisposing syndrome. Also called: Hereditary Cancer Syndrome; Hereditary neoplastic syndrome; Neoplastic Syndromes, Hereditary; Tumor predisposition. Identifiers: Orphanet 140162, MedGen C0027672, MeSH D009386, MONDO:0015356.

Allele frequency attached by ClinVar (database versions not stated): ExAC 0.00001; gnomAD 0.00001; gnomAD exomes 0.00001.

Submission:

Sema4
Classification: Uncertain significance for Hereditary cancer-predisposing syndrome. Last evaluated: 2021-09-30. Review status: criteria provided, single submitter. Criteria: Sema4 Curation Guidelines. Collection method: curation. Allele origin: germline.
Comment: The FANCM c.6009-13A>G variant has not been reported in the literature to our knowledge. It was observed in 3/19952 chromosomes of the East Asian subpopulation in the Genome Aggregation Database (PMID: 32461654). The variant has not been reported in ClinVar. In silico tools suggest that the variant does not have an impact on splicing, though these predictions have not been confirmed by functional studies. The evidence is insufficient to meet ACMG/AMP criteria for classifying the variant as benign or pathogenic. Thus, the clinical significance of this variant is currently uncertain.

NM_020937.4(FANCM):c.6009-13A>G

Gene: FANCM (FA complementation group M; plus strand). Cytogenetic location: 14q21.2.
Variant type: single nucleotide variant.
Coding change: c.6009-13A>G on transcript NM_020937.4 (MANE Select); 13 bases into the intron before coding-DNA position 6009, A replaced by G.
Molecular consequence: intron variant.
Genome position (GRCh38, 1-based): chr14:45,199,857, A>G. VCF-style: chr14-45199857-A-G. GRCh37 (hg19) VCF-style: chr14-45669060-A-G.
Other names: c.5931-13A>G (NM_001308133.2).
Identifiers: ClinVar variation 1691909 (VCV001691909.1), dbSNP rs759223171, ClinGen allele CA7170114.